The following is an entry in ClinVar:

NM_030773.4(TUBB1):c.845G>C (p.Arg282Pro)

Gene: TUBB1 (tubulin beta 1 class VI; plus strand). Cytogenetic location: 20q13.32.
Variant type: single nucleotide variant.
Coding change: c.845G>C on transcript NM_030773.4 (MANE Select); coding-DNA position 845, G replaced by C.
Protein change: p.Arg282Pro; replaces arginine 282 with proline.
Molecular consequence: missense variant.
Genome position (GRCh38, 1-based): chr20:59,024,272, G>C. VCF-style: chr20-59024272-G-C. GRCh37 (hg19) VCF-style: chr20-57599327-G-C.
Other names: short protein forms R282P.
Identifiers: ClinVar variation 2795075 (VCV002795075.3), dbSNP rs746127844, ClinGen allele CA316329443.

ClinVar aggregate classification (germline): Uncertain significance (1 of 4 stars; one submission).

Allele frequency attached by ClinVar (database versions not stated): gnomAD 0.00001.
gnomAD v4.1: 2 of 1,613,852 alleles (0.00012%); highest among the groups gnomAD compares: African/African-American, 0.0027%; no homozygotes.

Submission:

Labcorp Genetics (formerly Invitae), Labcorp
Classification: Uncertain significance. Last evaluated: 2023-01-24. Review status: criteria provided, single submitter. Criteria: Invitae Variant Classification Sherloc (09022015). Collection method: clinical testing. Allele origin: germline.
Comment: This sequence change replaces arginine, which is basic and polar, with proline, which is neutral and non-polar, at codon 282 of the TUBB1 protein (p.Arg282Pro). This variant is present in population databases (no rsID available, gnomAD 0.01%). This variant has not been reported in the literature in individuals affected with TUBB1-related conditions. Advanced modeling of protein sequence and biophysical properties (such as structural, functional, and spatial information, amino acid conservation, physicochemical variation, residue mobility, and thermodynamic stability) performed at Invitae indicates that this missense variant is not expected to disrupt TUBB1 protein function. In summary, the available evidence is currently insufficient to determine the role of this variant in disease. Therefore, it has been classified as a Variant of Uncertain Significance.